The following is an entry in ClinVar:

NM_014875.3(KIF14):c.2193A>G (p.Arg731=)

Gene: KIF14 (kinesin family member 14; minus strand). Cytogenetic location: 1q32.1.
Variant type: single nucleotide variant.
Coding change: c.2193A>G on transcript NM_014875.3 (MANE Select); coding-DNA position 2193, A replaced by G.
Protein change: p.Arg731=; no amino-acid change (arginine 731 retained).
Molecular consequence: synonymous variant.
Genome position (GRCh38, 1-based): chr1:200,600,463, T>C on the plus strand (A>G on the coding strand, the complement: KIF14 is on the minus strand). VCF-style: chr1-200600463-T-C. GRCh37 (hg19) VCF-style: chr1-200569591-T-C.
Other names: c.720A>G, p.Arg240= (NM_001305792.1).
Identifiers: ClinVar variation 720289 (VCV000720289.32), dbSNP rs115233014, ClinGen allele CA1317581.

ClinVar aggregate classification (germline): Benign/Likely benign. Review status: criteria provided, multiple submitters, no conflicts (2 of 4 stars). 3 submissions from 3 submitters: Benign (2); Likely benign (1). Last evaluated 2026-07-01.

Allele frequency attached by ClinVar (database versions not stated): 1000 Genomes Project 30x 0.00312; 1000 Genomes Project 0.00359; ESP Exome Variant Server 0.00423; gnomAD 0.00439; TOPMed 0.00442.
gnomAD v4.1: 1,217 of 1,613,898 alleles (0.075%); highest among the groups gnomAD compares: African/African-American, 1.4%; 13 homozygotes.

Submissions (3):

CeGaT Center for Human Genetics Tuebingen
Classification: Likely benign. Last evaluated: 2026-07-01. Review status: criteria provided, single submitter. Criteria: CeGaT Center For Human Genetics Tuebingen Variant Classification Criteria Version 2. Collection method: clinical testing. Allele origin: germline. Affected: yes. Observed: 4 variant alleles.
Comment: KIF14: BP4, BP7, BS1

Labcorp Genetics (formerly Invitae), Labcorp
Classification: Benign. Last evaluated: 2026-01-28. Review status: criteria provided, single submitter. Criteria: Invitae Variant Classification Sherloc (09022015). Collection method: clinical testing. Allele origin: germline.

Breakthrough Genomics
Classification: Benign. Review status: criteria provided, single submitter. Criteria: ACMG Guidelines, 2015. Collection method: not provided. Allele origin: germline. Inheritance: Autosomal recessive inheritance. Affected: yes.